The following is an entry in ClinVar:

ClinVar aggregate classification (germline): Uncertain significance (1 of 4 stars; one submission).

Conditions:
Myofibrillar myopathy 4. Also called: Zaspopathy (type). Identifiers: Orphanet 98912, MedGen C4721886, MONDO:0012277, OMIM 609452.

Allele frequency attached by ClinVar (database versions not stated): ExAC 0.00001.

Submission:

Labcorp Genetics (formerly Invitae), Labcorp
Classification: Uncertain significance for Myofibrillar myopathy 4. Last evaluated: 2023-11-22. Review status: criteria provided, single submitter. Criteria: Invitae Variant Classification Sherloc (09022015). Collection method: clinical testing. Allele origin: germline.
Comment: The LDB3 gene has multiple clinically relevant transcripts. This variant occurs in alternate transcript NM_007078.3, and corresponds to NM_001080116.1:c.321+1571A>C in the primary transcript. This sequence change replaces glutamic acid, which is acidic and polar, with alanine, which is neutral and non-polar, at codon 205 of the LDB3 protein (p.Glu205Ala). This variant is present in population databases (rs767919085, gnomAD 0.0009%). This variant has not been reported in the literature in individuals affected with LDB3-related conditions. Algorithms developed to predict the effect of sequence changes on RNA splicing suggest that this variant is not likely to affect RNA splicing. In summary, the available evidence is currently insufficient to determine the role of this variant in disease. Therefore, it has been classified as a Variant of Uncertain Significance.

NM_007078.3(LDB3):c.614A>C (p.Glu205Ala)

Gene: LDB3 (LIM domain binding 3; plus strand). Cytogenetic location: 10q23.2.
Variant type: single nucleotide variant.
Coding change: c.614A>C on transcript NM_007078.3 (MANE Select); coding-DNA position 614, A replaced by C.
Protein change: p.Glu205Ala; replaces glutamic acid 205 with alanine.
Molecular consequence: missense variant. On other transcripts: intron variant (5).
Genome position (GRCh38, 1-based): chr10:86,681,728, A>C. VCF-style: chr10-86681728-A-C. GRCh37 (hg19) VCF-style: chr10-88441485-A-C.
Other names: c.614A>C, p.Glu205Ala (NM_001080115.2, NM_001171610.2, NM_001171611.2 and 3 more transcripts); c.321+1571A>C (NM_001368068.1, NM_001368066.1, NM_001080114.2 and 2 more transcripts); short protein forms E205A.
Identifiers: ClinVar variation 2976314 (VCV002976314.3), dbSNP rs767919085, ClinGen allele CA5584750.